The following is an entry in ClinVar:

ClinVar aggregate classification (germline): Uncertain significance. Review status: criteria provided, multiple submitters, no conflicts (2 of 4 stars). 2 submissions from 2 submitters: Uncertain significance (2). Last evaluated 2025-12-08.

Conditions:
Hereditary cancer-predisposing syndrome. Also called: Hereditary Cancer Syndrome; Tumor predisposition; Hereditary neoplastic syndrome; Neoplastic Syndromes, Hereditary. Identifiers: Orphanet 140162, MedGen C0027672, MeSH D009386, MONDO:0015356.
Renal cell carcinoma. Identifiers: Orphanet 217071, MedGen C0007134, MeSH D002292, MONDO:0005086, HP:0005584.

Allele frequency attached by ClinVar (database versions not stated): gnomAD exomes below 0.00001; ExAC 0.00001; gnomAD 0.00001.
gnomAD v4.1: 6 of 1,613,756 alleles (0.00037%); highest among the groups gnomAD compares: Non-Finnish European, 0.00051%; no homozygotes.

Submissions (2):

Labcorp Genetics (formerly Invitae), Labcorp
Classification: Uncertain significance for Renal cell carcinoma. Last evaluated: 2025-12-08. Review status: criteria provided, single submitter. Criteria: Invitae Variant Classification Sherloc (09022015). Collection method: clinical testing. Allele origin: germline.
Comment: This sequence change replaces valine, which is neutral and non-polar, with isoleucine, which is neutral and non-polar, at codon 1014 of the MET protein (p.Val1014Ile). This variant is present in population databases (rs773447798, gnomAD 0.0009%). This variant has not been reported in the literature in individuals affected with MET-related conditions. ClinVar contains an entry for this variant (Variation ID: 1040774). Invitae Evidence Modeling of protein sequence and biophysical properties (such as structural, functional, and spatial information, amino acid conservation, physicochemical variation, residue mobility, and thermodynamic stability) indicates that this missense variant is not expected to disrupt MET protein function with a negative predictive value of 80%. In summary, the available evidence is currently insufficient to determine the role of this variant in disease. Therefore, it has been classified as a Variant of Uncertain Significance.

Ambry Genetics
Classification: Uncertain significance for Hereditary cancer-predisposing syndrome. Last evaluated: 2025-10-16. Review status: criteria provided, single submitter. Criteria: Ambry Variant Classification Scheme 2023. Collection method: clinical testing. Allele origin: germline.
Comment: The p.V1014I variant (also known as c.3040G>A), located in coding exon 13 of the MET gene, results from a G to A substitution at nucleotide position 3040. The valine at codon 1014 is replaced by isoleucine, an amino acid with highly similar properties. This amino acid position is highly conserved in available vertebrate species. In addition, this alteration is predicted to be tolerated by in silico analysis. Since supporting evidence is limited at this time, the clinical significance of this alteration remains unclear.

NM_000245.4(MET):c.2986G>A (p.Val996Ile)

Gene: MET (MET proto-oncogene, receptor tyrosine kinase; plus strand). Cytogenetic location: 7q31.2.
Variant type: single nucleotide variant.
Coding change: c.2986G>A on transcript NM_000245.4 (MANE Select); coding-DNA position 2986, G replaced by A.
Protein change: p.Val996Ile; replaces valine 996 with isoleucine.
Molecular consequence: missense variant.
Genome position (GRCh38, 1-based): chr7:116,771,947, G>A. VCF-style: chr7-116771947-G-A. GRCh37 (hg19) VCF-style: chr7-116412001-G-A.
Other names: c.3040G>A, p.Val1014Ile (NM_001127500.3); c.1696G>A, p.Val566Ile (NM_001324402.2); c.3040G>A (NM_001127500.1); short protein forms V566I, V1014I, V996I.
Identifiers: ClinVar variation 1040774 (VCV001040774.11), dbSNP rs773447798, ClinGen allele CA4448621.